The following is an entry in ClinVar:

ClinVar aggregate classification (germline): Uncertain significance. Review status: criteria provided, multiple submitters, no conflicts (2 of 4 stars). 4 submissions from 4 submitters: Uncertain significance (4). Last evaluated 2025-10-21.

Conditions:
Patterned macular dystrophy 2. Identifiers: Orphanet 99001, MedGen C1837029, MONDO:0012162, OMIM 608970.
Hereditary nonpolyposis colon cancer (HNPCC). Also called: Hereditary Nonpolyposis Colorectal Cancer Syndrome; Hereditary nonpolyposis colorectal cancer; Familial nonpolyposis colon cancer. Identifiers: Orphanet 443909, MedGen C1333990, MONDO:0018630. Disease mechanism: loss of function.
Hereditary cancer-predisposing syndrome. Also called: Hereditary neoplastic syndrome; Neoplastic Syndromes, Hereditary; Hereditary Cancer Syndrome; Tumor predisposition. Identifiers: Orphanet 140162, MedGen C0027672, MeSH D009386, MONDO:0015356.

Allele frequency attached by ClinVar (database versions not stated): ExAC 0.00001; gnomAD exomes 0.00001.
gnomAD v4.1: 18 of 1,614,050 alleles (0.0011%); highest among the groups gnomAD compares: Non-Finnish European, 0.0015%; no homozygotes.

Submissions (4):

Labcorp Genetics (formerly Invitae), Labcorp
Classification: Uncertain significance. Last evaluated: 2025-10-21. Review status: criteria provided, single submitter. Criteria: Invitae Variant Classification Sherloc (09022015). Collection method: clinical testing. Allele origin: germline.
Comment: This sequence change replaces alanine, which is neutral and non-polar, with valine, which is neutral and non-polar, at codon 58 of the CTNNA1 protein (p.Ala58Val). This variant is present in population databases (rs780078260, gnomAD 0.002%). This variant has not been reported in the literature in individuals affected with CTNNA1-related conditions. ClinVar contains an entry for this variant (Variation ID: 657999). Invitae Evidence Modeling of protein sequence and biophysical properties (such as structural, functional, and spatial information, amino acid conservation, physicochemical variation, residue mobility, and thermodynamic stability) indicates that this missense variant is expected to disrupt CTNNA1 protein function with a positive predictive value of 80%. In summary, the available evidence is currently insufficient to determine the role of this variant in disease. Therefore, it has been classified as a Variant of Uncertain Significance.

Ambry Genetics
Classification: Uncertain significance for Hereditary cancer-predisposing syndrome. Last evaluated: 2024-05-21. Review status: criteria provided, single submitter. Criteria: Ambry Variant Classification Scheme 2023. Collection method: clinical testing. Allele origin: germline.
Comment: The p.A58V variant (also known as c.173C>T), located in coding exon 2 of the CTNNA1 gene, results from a C to T substitution at nucleotide position 173. The alanine at codon 58 is replaced by valine, an amino acid with similar properties. This amino acid position is highly conserved in available vertebrate species. In addition, the in silico prediction for this alteration is inconclusive. The evidence for this gene-disease relationship is limited; therefore, the clinical significance of this alteration is unclear.

Department of Pathology and Laboratory Medicine, Sinai Health System
Classification: Uncertain significance for hereditary nonpolyposis colon cancer. Last evaluated: 2024-05-13. Review status: criteria provided, single submitter. Criteria: ACMG Guidelines, 2015. Collection method: clinical testing. Allele origin: germline. Affected: yes.

Baylor Genetics
Classification: Uncertain significance for Patterned macular dystrophy 2. Last evaluated: 2023-12-14. Review status: criteria provided, single submitter. Criteria: ACMG Guidelines, 2015. Collection method: clinical testing. Allele origin: unknown.

Literature cited by the submitters: PubMed 32051609 (cited by Ambry Genetics and Department of Pathology and Laboratory Medicine, Sinai Health System).

NM_001903.5(CTNNA1):c.173C>T (p.Ala58Val)

Gene: CTNNA1 (catenin alpha 1; plus strand). Cytogenetic location: 5q31.2.
Variant type: single nucleotide variant.
Coding change: c.173C>T on transcript NM_001903.5 (MANE Select); coding-DNA position 173, C replaced by T.
Protein change: p.Ala58Val; replaces alanine 58 with valine.
Molecular consequence: missense variant. On other transcripts: 5 prime UTR variant (1), intron variant (1).
Genome position (GRCh38, 1-based): chr5:138,783,244, C>T. VCF-style: chr5-138783244-C-T. GRCh37 (hg19) VCF-style: chr5-138118933-C-T.
Other names: c.173C>T, p.Ala58Val (NM_001290307.3, NM_001323982.2, NM_001323983.1 and 3 more transcripts); c.-34C>T (NM_001290310.3); c.-9+1215C>T (NM_001290309.3); short protein forms A58V.
Identifiers: ClinVar variation 657999 (VCV000657999.14), dbSNP rs780078260, ClinGen allele CA3431370.